The following is an entry in ClinVar:

ClinVar aggregate classification (germline): Likely benign. Review status: criteria provided, multiple submitters, no conflicts (2 of 4 stars). 3 submissions from 3 submitters: Likely benign (2). 1 of the submissions does not count toward it. Last evaluated 2026-01-07.

Conditions:
TTN-related disorder. Also called: TTN-related disorders; TTN-related condition; TTN-related disease.
Dilated cardiomyopathy 1G (CMD1G). Identifiers: Orphanet 154, MedGen C1858763, MONDO:0011400, OMIM 604145.
Autosomal recessive limb-girdle muscular dystrophy type 2J (LGMDR10). Also called: Limb-girdle muscular dystrophy, type 2J; MUSCULAR DYSTROPHY, LIMB-GIRDLE, AUTOSOMAL RECESSIVE 10. Identifiers: Orphanet 140922, MedGen C1837342, MONDO:0012127, OMIM 608807.

Allele frequency attached by ClinVar (database versions not stated): gnomAD 0.00001; TOPMed 0.00002; gnomAD exomes 0.00003 and 0.00006; ExAC 0.00008.
gnomAD v4.1: 19 of 1,603,836 alleles (0.0012%); highest among the groups gnomAD compares: Admixed American, 0.033%; no homozygotes.

Submissions (3):

Labcorp Genetics (formerly Invitae), Labcorp
Classification: Likely benign for Dilated cardiomyopathy 1G; Autosomal recessive limb-girdle muscular dystrophy type 2J. Last evaluated: 2026-01-07. Review status: criteria provided, single submitter. Criteria: Invitae Variant Classification Sherloc (09022015). Collection method: clinical testing. Allele origin: germline.

GeneDx
Classification: Likely benign. Last evaluated: 2017-02-13. Review status: criteria provided, single submitter. Criteria: GeneDx Variant Classification (06012015). Collection method: clinical testing. Allele origin: germline. Affected: yes.
Comment: This variant is considered likely benign or benign based on one or more of the following criteria: it is a conservative change, it occurs at a poorly conserved position in the protein, it is predicted to be benign by multiple in silico algorithms, and/or has population frequency not consistent with disease.

PreventionGenetics, part of Exact Sciences
Classification: Likely benign for TTN-related condition. Last evaluated: 2023-01-03. Review status: no assertion criteria provided. Collection method: clinical testing. Allele origin: germline. Not counted in ClinVar's aggregate classification.
Comment: This variant is classified as likely benign based on ACMG/AMP sequence variant interpretation guidelines (Richards et al. 2015 PMID: 25741868, with internal and published modifications).

NM_001267550.2(TTN):c.50354+10G>T

Genes: TTN (titin; minus strand), TTN-AS1 (TTN antisense RNA 1; plus strand). Cytogenetic location: 2q31.2.
Variant type: single nucleotide variant.
Coding change: c.50354+10G>T on transcript NM_001267550.2 (MANE Select); 10 bases into the intron after coding-DNA position 50354, G replaced by T.
Molecular consequence: intron variant.
Genome position (GRCh38, 1-based): chr2:178,612,047, C>A on the plus strand (G>T on the coding strand, the complement: TTN is on the minus strand). VCF-style: chr2-178612047-C-A. GRCh37 (hg19) VCF-style: chr2-179476774-C-A.
Other names: c.23159+10G>T (NM_003319.4); c.23735+10G>T (NM_133437.4); c.23534+10G>T (NM_133432.3); c.42650+10G>T (NM_133378.4); c.45431+10G>T (NM_001256850.1).
Identifiers: ClinVar variation 507200 (VCV000507200.12), dbSNP rs772647911, ClinGen allele CA1994391.